The following is an entry in ClinVar:

ClinVar aggregate classification (germline): Uncertain significance (1 of 4 stars; one submission).

Conditions:
Hereditary cancer-predisposing syndrome. Also called: Neoplastic Syndromes, Hereditary; Tumor predisposition; Hereditary neoplastic syndrome; Hereditary Cancer Syndrome. Identifiers: Orphanet 140162, MedGen C0027672, MeSH D009386, MONDO:0015356.

Submission:

Ambry Genetics
Classification: Uncertain significance for Hereditary cancer-predisposing syndrome. Last evaluated: 2026-09-13. Review status: criteria provided, single submitter. Criteria: Ambry Variant Classification Scheme 2023. Collection method: clinical testing. Allele origin: germline.
Comment: The p.I172V variant (also known as c.514A>G), located in coding exon 4 of the STK11 gene, results from an A to G substitution at nucleotide position 514. The isoleucine at codon 172 is replaced by valine, an amino acid with highly similar properties. This amino acid position is conserved. In addition, the in silico prediction for this alteration is inconclusive. Based on the available evidence, the clinical significance of this variant remains unclear.

NM_000455.5(STK11):c.514A>G (p.Ile172Val)

Gene: STK11 (serine/threonine kinase 11; plus strand). Cytogenetic location: 19p13.3.
Variant type: single nucleotide variant.
Coding change: c.514A>G on transcript NM_000455.5 (MANE Select); coding-DNA position 514, A replaced by G.
Protein change: p.Ile172Val; replaces isoleucine 172 with valine.
Molecular consequence: missense variant. On other transcripts: non-coding transcript variant (1).
Genome position (GRCh38, 1-based): chr19:1,220,422, A>G. VCF-style: chr19-1220422-A-G. GRCh37 (hg19) VCF-style: chr19-1220421-A-G.
Other names: c.514A>G, p.Ile172Val (NM_001407255.1); short protein forms I172V.
Identifiers: ClinVar variation 5030323 (VCV005030323.1).